The following continues an entry in ClinVar:

NM_000284.4(PDHA1):c.1142_1145dup (p.Trp383fs)

Gene: PDHA1. ClinVar aggregate classification (germline): Pathogenic. Pathogenic (1).

Submissions 9 to 14 of 14:

Illumina Laboratory Services, Illumina
Classification: Pathogenic for Pyruvate dehydrogenase E1-alpha deficiency. Last evaluated: 2020-02-04. Review status: criteria provided, single submitter. Criteria: ICSLVariantClassificationCriteria RUGD 01 April 2020. Collection method: clinical testing. Allele origin: unknown. Not counted in ClinVar's aggregate classification.
Comment: The PDHA1 c.1142_1145dupATCA (p.Trp383SerfsTer6) variant results in a frameshift and is predicted to result in premature termination of the protein. Across a selection of the available literature, the p.Trp383SerfsTer6 variant has been identified in at least 10 individuals in a heterozygous state with variable phenotypes related to pyruvate dehydrogenase deficiency. Phenotypes include brain abnormalities (thin corpus callosum, cerebral atrophy, or cerebellar malformations), microcephaly, intellectual disability, hypotonia, elevated lactate and pyruvate levels, and epilepsy (Endo et al. 1991; Lissens et al. 2000; Quintata et al. 2010; DeBrosse et al. 2012). At least four of these individuals carried the p.Trp383SerfsTer6 variant in a de novo state (Lissens et al. 2000; Quintata et al. 2010). Evaluation of patient fibroblasts showed significantly decreased pyruvate dehydrogenase complex and pyruvate dehydrogenase E1 activity levels compared to controls (Endo et al. 1991; Lissens et al. 2000; Quintata et al. 2010). The p.Trp383SerfsTer6 variant is not found in the Genome Aggregation Database and is in a region of good sequencing coverage, so the variant is presumed to be rare. This variant occurs in the last exon and may escape nonsense mediated decay. Based on the collective evidence, the p.Trp383SerfsTer6 variant is classified as pathogenic for pyruvate dehydrogenase deficiency.

GeneDx
Classification: Pathogenic. Last evaluated: 2013-06-04. Review status: criteria provided, single submitter. Criteria: GeneDx Variant Classification (06012015). Collection method: clinical testing. Allele origin: germline. Affected: yes. Not counted in ClinVar's aggregate classification.
Comment: c.1142_1145dupATCA: p.Trp383SerfsX6 (W383SfsX6) in exon 11 of the PDHA1 gene (NM_000284.3). The normal sequence with the bases that are duplicated in braces is: GCCA{ATCA}GTGG. The c.1142_1145dupATCA mutation in the PDHA1 gene has been reported previously in association with pyruvate dehydrogenase complex (PDHc) deficiency (Endo et al., 1991). The duplication causes a frameshift starting with codon Tryptophan 383, changes this amino acid to a Serine residue and creates a premature Stop codon at position 6 of the new reading frame, denoted p.Trp383SerfsX6. This mutation is predicted to cause loss of normal protein function through protein truncation. The variant is found in MITONUC-MITOP panel(s).

PDHA1 Study Group, University Children’s Hospital, Paracelsus Medical University
Classification: Pathogenic for Pyruvate dehydrogenase E1-alpha deficiency. Last evaluated: 2024-10-15. Review status: no assertion criteria provided. Collection method: research. Allele origin: de novo. Affected: yes. Observed: 30 variant alleles. Not counted in ClinVar's aggregate classification.
Comment: The NM_000284.3:c.1142_1145dup (p.Trp383SerfsTer6) change is a frameshift variant in the PDHA1 gene. This variant is predicted to escape nonsense-mediated decay (NMD). It is absent or extremely rare in population-based cohorts in the Genome Aggregation Database (gnomAD). In total, 30 individuals diagnosed with PDHA1-related pyruvate dehydrogenase complex (PDHc) deficiency (MIM #312170) harbor this variant, including 1 male and 28 females. Among these, 13 cases have confirmed de novo occurrence, and 1 is confirmed inherited. The variant is reported in 15 published cases (PMIDs: 1779625, 1338114, 8504309, 8504306, 10679936, 20002461, 23021068, 27629047, 26865159, 28918066, 37229200, 36495297), with an additional 15 unpublished cases from internal data. The last literature search is conducted on July 12, 2024. Individuals present with clinical features consistent with PDHA1-related PDHc deficiency. Based on the ACMG/AMP criteria applied (PVS1, PM2, PM7), this variant is classified as pathogenic (P) (last assessment October 15, 2024).

Clinical Laboratory Sciences Program (CLSP), King Saud bin Abdulaziz University for Health Sciences (KSAU-HS)
Classification: Pathogenic for Pyruvate dehydrogenase E1-alpha deficiency. Last evaluated: 2023-04-01. Review status: no assertion criteria provided. Collection method: clinical testing. Allele origin: germline. Affected: yes. Not counted in ClinVar's aggregate classification.

Biochemical Molecular Genetic Laboratory, King Abdulaziz Medical City
Classification: Likely pathogenic for Pyruvate dehydrogenase E1-alpha deficiency. Last evaluated: 2019-09-26. Review status: no assertion criteria provided. Collection method: clinical testing. Allele origin: germline. Affected: yes. Not counted in ClinVar's aggregate classification.

OMIM
Classification: Pathogenic for PYRUVATE DEHYDROGENASE E1-ALPHA DEFICIENCY. Last evaluated: 1993-04-01. Review status: no assertion criteria provided. Collection method: literature only. Allele origin: germline. Not counted in ClinVar's aggregate classification.

Literature cited by the submitters: PubMed 1779625 (cited by 5 submitters); PubMed 7981697 (cited by Ambry Genetics and Labcorp Genetics (formerly Invitae), Labcorp); PubMed 10679936 (cited by 3 submitters); PubMed 20002461 (cited by 3 submitters); PubMed 23021068 (cited by 3 submitters); PubMed 24718837 (cited by Ambry Genetics and Labcorp Genetics (formerly Invitae), Labcorp); PubMed 26865159 (cited by 3 submitters); PubMed 37229200 (cited by Ambry Genetics and PDHA1 Study Group, University Children’s Hospital, Paracelsus Medical University); PubMed 21846590 (cited by Labcorp Genetics (formerly Invitae), Labcorp); PubMed 21914562 (cited by Labcorp Genetics (formerly Invitae), Labcorp); PubMed 29756269 (cited by Labcorp Genetics (formerly Invitae), Labcorp); PubMed 1338114 (cited by PDHA1 Study Group, University Children’s Hospital, Paracelsus Medical University and OMIM); PubMed 8504309 (cited by PDHA1 Study Group, University Children’s Hospital, Paracelsus Medical University and OMIM); PubMed 8504306 (cited by PDHA1 Study Group, University Children’s Hospital, Paracelsus Medical University); PubMed 27629047 (cited by PDHA1 Study Group, University Children’s Hospital, Paracelsus Medical University); PubMed 28918066 (cited by PDHA1 Study Group, University Children’s Hospital, Paracelsus Medical University); PubMed 36495297 (cited by PDHA1 Study Group, University Children’s Hospital, Paracelsus Medical University); DOI 10.1093/brain/awaf430 (cited by PDHA1 Study Group, University Children’s Hospital, Paracelsus Medical University); PubMed 1909778 (cited by OMIM).